The following is an entry in ClinVar:

ClinVar aggregate classification (germline): Uncertain significance. Review status: criteria provided, multiple submitters, no conflicts (2 of 4 stars). 2 submissions from 2 submitters: Uncertain significance (2). Last evaluated 2025-11-26.

Conditions:
Syndromic intellectual disability. Also called: Intellectual disability syndrome. Identifiers: Orphanet 183763, MedGen C5680525, MONDO:0000508.

Submissions (2):

Dasa
Classification: Uncertain significance for Syndromic intellectual disability. Last evaluated: 2025-11-26. Review status: criteria provided, single submitter. Criteria: DASA Assertion Criteria. Collection method: clinical testing. Allele origin: germline.
Comment: NM_003718.5(CDK13):c.4157A>T (p.His1386Leu) is a missense variant that results in the substitution of histidine with leucine. This variant is rare in population databases. The currently available literature and clinical evidence are not sufficient to establish a definitive association between this variant and the reported condition. Therefore, this variant is classified as a variant of uncertain significance.

GeneDx
Classification: Uncertain significance. Last evaluated: 2024-09-16. Review status: criteria provided, single submitter. Criteria: GeneDx Variant Classification Process June 2021. Collection method: clinical testing. Allele origin: germline. Affected: yes.
Comment: Not observed at significant frequency in large population cohorts (gnomAD); In silico analysis supports that this missense variant has a deleterious effect on protein structure/function; Has not been previously published as pathogenic or benign to our knowledge

NM_003718.5(CDK13):c.4157A>T (p.His1386Leu)

Gene: CDK13 (cyclin dependent kinase 13; plus strand). Cytogenetic location: 7p14.1.
Variant type: single nucleotide variant.
Coding change: c.4157A>T on transcript NM_003718.5 (MANE Select); coding-DNA position 4157, A replaced by T.
Protein change: p.His1386Leu; replaces histidine 1386 with leucine.
Molecular consequence: missense variant.
Genome position (GRCh38, 1-based): chr7:40,094,598, A>T. VCF-style: chr7-40094598-A-T. GRCh37 (hg19) VCF-style: chr7-40134197-A-T.
Other names: c.3977A>T, p.His1326Leu (NM_031267.4); short protein forms H1326L, H1386L.
Identifiers: ClinVar variation 3769898 (VCV003769898.3).